The following is an entry in ClinVar:

NM_004336.5(BUB1):c.1994C>T (p.Ala665Val)

Gene: BUB1 (BUB1 mitotic checkpoint serine/threonine kinase; minus strand). Cytogenetic location: 2q13.
Variant type: single nucleotide variant.
Coding change: c.1994C>T on transcript NM_004336.5 (MANE Select); coding-DNA position 1994, C replaced by T.
Protein change: p.Ala665Val; replaces alanine 665 with valine.
Molecular consequence: missense variant.
Genome position (GRCh38, 1-based): chr2:110,650,755, G>A on the plus strand (C>T on the coding strand, the complement: BUB1 is on the minus strand). VCF-style: chr2-110650755-G-A. GRCh37 (hg19) VCF-style: chr2-111408332-G-A.
Other names: c.1934C>T, p.Ala645Val (NM_001278616.2); c.1994C>T, p.Ala665Val (NM_001278617.2); short protein forms A645V, A665V.
Identifiers: ClinVar variation 3262119 (VCV003262119.1).

ClinVar aggregate classification (germline): Uncertain significance (1 of 4 stars; one submission).

Submission:

Ambry Genetics
Classification: Uncertain significance. Last evaluated: 2024-04-10. Review status: criteria provided, single submitter. Criteria: Ambry Variant Classification Scheme 2023. Collection method: clinical testing. Allele origin: germline.
Comment: The p.A665V variant (also known as c.1994C>T), located in coding exon 18 of the BUB1 gene, results from a C to T substitution at nucleotide position 1994. The alanine at codon 665 is replaced by valine, an amino acid with similar properties. This amino acid position is conserved. In addition, this alteration is predicted to be tolerated by in silico analysis. Based on the available evidence, the clinical significance of this variant remains unclear.